The following is an entry in ClinVar:

NM_004999.4(MYO6):c.2775G>C (p.Arg925Ser)

Gene: MYO6 (myosin VI; plus strand). Cytogenetic location: 6q14.1.
Variant type: single nucleotide variant.
Coding change: c.2775G>C on transcript NM_004999.4 (MANE Select); coding-DNA position 2775, G replaced by C.
Protein change: p.Arg925Ser; replaces arginine 925 with serine.
Molecular consequence: missense variant. On other transcripts: non-coding transcript variant (1).
Genome position (GRCh38, 1-based): chr6:75,890,173, G>C. VCF-style: chr6-75890173-G-C. GRCh37 (hg19) VCF-style: chr6-76599890-G-C.
Other names: c.2775G>C, p.Arg925Ser (NM_001300899.2, NM_001368136.1, NM_001368137.1 and 2 more transcripts); c.2760G>C, p.Arg920Ser (NM_001368138.1); short protein forms R920S, R925S.
Identifiers: ClinVar variation 3256125 (VCV003256125.2).
Genomic context (GRCh38, chr6:75,890,173, plus strand): 5'-CTCAGAGGAACTCCTCAGTGCATTACAGAAAAAAAAACAGCAGGAAGAGGAAGCAGAAAG[G>C]CTGAGGCGTATTCAAGAAGAAATGGAAAAGGAAAGAAAAAGACGTGAAGAAGACGAAAAA-3'
Protein context (NP_004990.3, residues 915-935): KKKQQEEEAE[Arg925Ser]LRRIQEEMEK

ClinVar aggregate classification (germline): Likely pathogenic (1 of 4 stars; one submission).

Conditions:
Nonsyndromic genetic hearing loss. Also called: Non-syndromic genetic deafness; Nonsyndromic hearing loss and deafness; Nonsyndromic genetic deafness. Identifiers: Orphanet 87884, MedGen C5680182, MONDO:0019497.

gnomAD v4.1: 9 of 1,613,052 alleles (0.00056%); highest among the groups gnomAD compares: East Asian, 0.0022%; no homozygotes.

Submission:

INGEBI, INGEBI / CONICET
Classification: Likely pathogenic for Nonsyndromic genetic hearing loss. Last evaluated: 2024-07-25. Review status: criteria provided, single submitter. Criteria: ClinGen HL ACMG Specifications v1. Collection method: clinical testing. Allele origin: germline. Inheritance: Autosomal dominant inheritance. Affected: yes. Observed: 1 heterozygote.
Comment: Following the application of the ACMG/AMP guidelines and the specific criteria established by the Hearing Loss Expert Panel, the analysis of the variant c.2775G>C p.Arg925Ser within the MYO6 resulted as follows: 1. 0.00031% (2/113550) allele frequency based on non-European, non-Finnish alleles in the gnomAD database, with a 95% confidence interval, thereby fulfilling the PM2_Supp criteria; 2. computational evidence alone did not provide evidence enough to apply the PP3 or BP4 criteria, as indicated by a REVEL score of 0.269; 3. intrafamilial segregation of the variant revealed four positive members, meeting the criteria for PP1_Strong; 4. based on the in-vivo functional studies in zebrafish the variant fulfills the PS3_Supporting criteria. Taken together all criteria the variant is classified as Likely Pathogenic